The following is an entry in ClinVar:

ClinVar aggregate classification (germline): Uncertain significance (1 of 4 stars; one submission).

Conditions:
LAMA2-related muscular dystrophy (LAMA2-RD). Also called: Laminin alpha 2-related dystrophy. Identifiers: MedGen C5679788, MONDO:0100228.

Submission:

Labcorp Genetics (formerly Invitae), Labcorp
Classification: Uncertain significance for LAMA2-related muscular dystrophy. Last evaluated: 2022-07-04. Review status: criteria provided, single submitter. Criteria: Invitae Variant Classification Sherloc (09022015). Collection method: clinical testing. Allele origin: germline.
Comment: This sequence change replaces serine, which is neutral and polar, with proline, which is neutral and non-polar, at codon 2540 of the LAMA2 protein (p.Ser2540Pro). This variant is not present in population databases (gnomAD no frequency). This variant has not been reported in the literature in individuals affected with LAMA2-related conditions. Advanced modeling of protein sequence and biophysical properties (such as structural, functional, and spatial information, amino acid conservation, physicochemical variation, residue mobility, and thermodynamic stability) performed at Invitae indicates that this missense variant is not expected to disrupt LAMA2 protein function. In summary, the available evidence is currently insufficient to determine the role of this variant in disease. Therefore, it has been classified as a Variant of Uncertain Significance.

NM_000426.4(LAMA2):c.7618T>C (p.Ser2540Pro)

Gene: LAMA2 (laminin subunit alpha 2; plus strand). Cytogenetic location: 6q22.33.
Variant type: single nucleotide variant.
Coding change: c.7618T>C on transcript NM_000426.4 (MANE Select); coding-DNA position 7618, T replaced by C.
Protein change: p.Ser2540Pro; replaces serine 2540 with proline.
Molecular consequence: missense variant.
Genome position (GRCh38, 1-based): chr6:129,481,308, T>C. VCF-style: chr6-129481308-T-C. GRCh37 (hg19) VCF-style: chr6-129802453-T-C.
Other names: c.7606T>C, p.Ser2536Pro (NM_001079823.2); short protein forms S2536P, S2540P.
Identifiers: ClinVar variation 1907861 (VCV001907861.5), dbSNP rs2533477856, ClinGen allele CA365627869.
Genomic context (GRCh38, chr6:129,481,308, plus strand): 5'-TTCCTTTACTCACAGAATGTTTACACAGTTAGCTTTCCTAAGCCTGGTTTTGTGGAGCTC[T>C]CCCCTGTGCCAATTGATGTAGGAACAGAAATCAACCTGTCATTCAGCACCAAGAATGAGT-3'
Protein context (NP_000417.3, residues 2530-2550): SFPKPGFVEL[Ser2540Pro]PVPIDVGTEI